The following is an entry in ClinVar:

ClinVar aggregate classification (germline): Uncertain significance (1 of 4 stars; one submission).

gnomAD v4.1: 45 of 1,534,896 alleles (0.0029%); highest among the groups gnomAD compares: Admixed American, 0.004%; no homozygotes.

Submission:

GeneDx
Classification: Uncertain significance. Last evaluated: 2024-11-03. Review status: criteria provided, single submitter. Criteria: GeneDx Variant Classification Process June 2021. Collection method: clinical testing. Allele origin: germline. Affected: yes.
Comment: Nonsense variant predicted to result in protein truncation or nonsense mediated decay in a gene or region of a gene for which loss of function is not a well-established mechanism of disease; Has not been previously published as pathogenic or benign to our knowledge

NM_001367479.1(DNAH14):c.988C>T (p.Arg330Ter)

Gene: DNAH14 (dynein axonemal heavy chain 14; plus strand). Cytogenetic location: 1q42.12.
Variant type: single nucleotide variant.
Coding change: c.988C>T on transcript NM_001367479.1 (MANE Select); coding-DNA position 988, C replaced by T.
Protein change: p.Arg330Ter; replaces arginine 330 with a stop codon.
Molecular consequence: nonsense.
Genome position (GRCh38, 1-based): chr1:225,007,425, C>T. VCF-style: chr1-225007425-C-T. GRCh37 (hg19) VCF-style: chr1-225195127-C-T.
Other names: NM_001373.1:c.988C>T; c.988C>T, p.Arg330Ter (NM_001145154.3); c.919C>T, p.Arg307Ter (NM_001349911.2); short protein forms R307*, R330*.
Identifiers: ClinVar variation 3897111 (VCV003897111.1).